The following is an entry in ClinVar:

NM_017742.6(ZCCHC2):c.2303C>T (p.Thr768Ile)

Gene: ZCCHC2 (zinc finger CCHC-type containing 2; plus strand). Cytogenetic location: 18q21.33.
Variant type: single nucleotide variant.
Coding change: c.2303C>T on transcript NM_017742.6 (MANE Select); coding-DNA position 2303, C replaced by T.
Protein change: p.Thr768Ile; replaces threonine 768 with isoleucine.
Molecular consequence: missense variant. On other transcripts: non-coding transcript variant (1).
Genome position (GRCh38, 1-based): chr18:62,574,384, C>T. VCF-style: chr18-62574384-C-T. GRCh37 (hg19) VCF-style: chr18-60241617-C-T.
Other names: c.1232C>T, p.Thr411Ile (NM_032724.2); short protein forms T411I, T768I.
Identifiers: ClinVar variation 3027412 (VCV003027412.22), dbSNP rs201968749, ClinGen allele CA8984501.

ClinVar aggregate classification (germline): Likely benign (1 of 4 stars; one submission).

Allele frequency attached by ClinVar (database versions not stated): 1000 Genomes Project 30x 0.00109; 1000 Genomes Project 0.00140; TOPMed 0.00155; gnomAD 0.00171; ExAC 0.00197; ESP Exome Variant Server 0.00223; gnomAD exomes 0.00254.
gnomAD v4.1: 3,929 of 1,614,004 alleles (0.24%); highest among the groups gnomAD compares: Middle Eastern, 0.74%; 12 homozygotes.

Submission:

CeGaT Center for Human Genetics Tuebingen
Classification: Likely benign. Last evaluated: 2024-02-01. Review status: criteria provided, single submitter. Criteria: CeGaT Center For Human Genetics Tuebingen Variant Classification Criteria Version 2. Collection method: clinical testing. Allele origin: germline. Affected: yes. Observed: 1 variant allele.
Comment: ZCCHC2: BP4, BS2